The following is an entry in ClinVar:

ClinVar aggregate classification (germline): Uncertain significance. Review status: criteria provided, multiple submitters, no conflicts (2 of 4 stars). 4 submissions from 4 submitters: Uncertain significance (4). Last evaluated 2024-03-24.

Conditions:
Central core myopathy (CMYO1A). Also called: Central core disease; Myopathy, central fibrillar; CONGENITAL MYOPATHY 1A, AUTOSOMAL DOMINANT, WITH SUSCEPTIBILITY TO MALIGNANT HYPERTHERMIA. Identifiers: Orphanet 597, MedGen C5830701, MONDO:0007294, OMIM 117000.
Malignant hyperthermia, susceptibility to, 1 (MHS1). Also called: Anesthesia related hyperthermia; Malignant hyperpyrexia; Fulminating hyperpyrexia; Pharmacogenic myopathy; RYR1-Related Malignant Hyperthermia Susceptibility; Malignant hyperthermia suceptibility 1. Identifiers: Orphanet 423, MedGen C2930980, MONDO:0007783, OMIM 145600.
Congenital multicore myopathy with external ophthalmoplegia (CMYO1B). Also called: MULTICORE MYOPATHY; Minicore myopathy with external ophthalmoplegia; Congenital myopathy 1B, autosomal recessive; Minicore myopathy; MULTIMINICORE DISEASE WITH EXTERNAL OPHTHALMOPLEGIA. Identifiers: Orphanet 598, Orphanet 98905, MedGen C1850674, MONDO:0009712, OMIM 255320, HP:0003789.
Congenital myopathy with fiber type disproportion. Also called: Congenital fiber-type disproportion; Congenital fiber-type disproportion myopathy. Identifiers: Orphanet 2020, MedGen C0546264, MONDO:0009711. Inheritance: all.
King Denborough syndrome (KDS). Identifiers: MedGen C1840365, MONDO:0020485, OMIM 619542.
RYR1-related disorder. Also called: RYR1-related condition; RYR1-related disorders. Identifiers: MedGen CN239331.

Allele frequency attached by ClinVar (database versions not stated): gnomAD 0.00001; gnomAD exomes 0.00001; TOPMed 0.00001.
gnomAD v4.1: 11 of 1,614,084 alleles (0.00068%); highest among the groups gnomAD compares: Non-Finnish European, 0.00093%; no homozygotes.

Submissions (4):

All of Us Research Program, National Institutes of Health
Classification: Uncertain significance for Malignant hyperthermia, susceptibility to, 1. Last evaluated: 2024-03-24. Review status: criteria provided, single submitter. Criteria: ACMG Guidelines, 2015. Collection method: clinical testing. Allele origin: germline. Inheritance: Autosomal dominant inheritance. Observed: 2 variant alleles, 2 heterozygotes.
Comment: This variant causes a G to A nucleotide substitution at the +3 position of intron 77 of the RYR1 gene. To our knowledge, functional studies have not been reported for this variant. This variant has not been reported in individuals affected with RYR1-related disorders in the literature. This variant has not been identified in the general population by the Genome Aggregation Database (gnomAD). The available evidence is insufficient to determine the role of this variant in disease conclusively. Therefore, this variant is classified as a Variant of Uncertain Significance.

This study involves interpretation of variants in research participants for the purpose of population health screening. Participant phenotype was not available at the time of variant classification. Additional details can be found in publication PMID: 35346344, PMCID: PMC8962531

Labcorp Genetics (formerly Invitae), Labcorp
Classification: Uncertain significance for RYR1-related disorder. Last evaluated: 2022-01-21. Review status: criteria provided, single submitter. Criteria: Invitae Variant Classification Sherloc (09022015). Collection method: clinical testing. Allele origin: germline.
Comment: This sequence change falls in intron 77 of the RYR1 gene. It does not directly change the encoded amino acid sequence of the RYR1 protein. It affects a nucleotide within the consensus splice site. This variant is not present in population databases (gnomAD no frequency). This variant has not been reported in the literature in individuals affected with RYR1-related conditions. ClinVar contains an entry for this variant (Variation ID: 329104). Variants that disrupt the consensus splice site are a relatively common cause of aberrant splicing (PMID: 17576681, 9536098). Algorithms developed to predict the effect of sequence changes on RNA splicing suggest that this variant is not likely to affect RNA splicing. In summary, the available evidence is currently insufficient to determine the role of this variant in disease. Therefore, it has been classified as a Variant of Uncertain Significance.

Fulgent Genetics
Classification: Uncertain significance for Central core myopathy; Malignant hyperthermia, susceptibility to, 1; Congenital myopathy 4A, autosomal dominant; Congenital multicore myopathy with external ophthalmoplegia; King Denborough syndrome. Last evaluated: 2021-10-29. Review status: criteria provided, single submitter. Criteria: ACMG Guidelines, 2015. Collection method: clinical testing. Allele origin: unknown.

Mayo Clinic Laboratories, Mayo Clinic
Classification: Uncertain significance. Last evaluated: 2019-10-06. Review status: criteria provided, single submitter. Criteria: ACMG Guidelines, 2015. Collection method: clinical testing. Allele origin: germline. Observed: 1 variant allele.

Literature cited by the submitters: PubMed 17576681 (cited by Labcorp Genetics (formerly Invitae), Labcorp); PubMed 9536098 (cited by Labcorp Genetics (formerly Invitae), Labcorp).

NM_000540.3(RYR1):c.11193+3G>A

Gene: RYR1 (ryanodine receptor 1; plus strand). Cytogenetic location: 19q13.2.
Variant type: single nucleotide variant.
Coding change: c.11193+3G>A on transcript NM_000540.3 (MANE Select); 3 bases into the intron after coding-DNA position 11193, G replaced by A.
Molecular consequence: intron variant.
Genome position (GRCh38, 1-based): chr19:38,532,544, G>A. VCF-style: chr19-38532544-G-A. GRCh37 (hg19) VCF-style: chr19-39023184-G-A.
Other names: c.11178+3G>A (NM_001042723.2).
Identifiers: ClinVar variation 329104 (VCV000329104.14), dbSNP rs886054400, ClinGen allele CA10648645.